The following is an entry in ClinVar:

NM_024757.5(EHMT1):c.3627_3633dup (p.Val1212fs)

Gene: EHMT1 (euchromatic histone lysine methyltransferase 1; plus strand). Cytogenetic location: 9q34.3.
Variant type: Duplication.
Coding change: c.3627_3633dup on transcript NM_024757.5 (MANE Select); coding-DNA positions 3627 to 3633, 7 bases duplicated (CGTGCGC; older notation c.3627_3633dupCGTGCGC).
Protein change: p.Val1212fs; shifts the reading frame from valine 1212.
Molecular consequence: frameshift variant.
Genome position (GRCh38, 1-based): chr9:137,834,435-137,834,441, CGTGCGC duplicated; duplicating any 7 consecutive bases within chr9:137,834,434-137,834,441 gives the same sequence; the c. name uses the placement nearest the transcript's 3' end. VCF-style (leftmost placement, unchanged base first): chr9-137834433-C-CCCGTGCG. GRCh37 (hg19) VCF-style: chr9-140728885-C-CCCGTGCG.
Other names: c.3606_3612dup, p.Val1205fs (NM_001354263.2); short protein forms V1205fs, V1212fs.
Identifiers: ClinVar variation 977309 (VCV000977309.3), dbSNP rs1956455734, ClinGen allele CA1139661368.

ClinVar aggregate classification (germline): Likely pathogenic (1 of 4 stars; one submission).

Conditions:
Kleefstra syndrome 1 (KLEFS1). Identifiers: Orphanet 261494, MedGen C0795833, MONDO:0027407, OMIM 610253.

Submission:

Breda Genetics srl
Classification: Likely pathogenic for Kleefstra syndrome 1. Last evaluated: 2020-06-23. Review status: criteria provided, single submitter. Criteria: ACMG Guidelines, 2015. Collection method: clinical testing. Allele origin: germline. Inheritance: Autosomal dominant inheritance. Affected: yes. Observed: 1 variant allele, 1 heterozygote.
Comment: The variant c.3627_3633dup (p.Val1212Argfs*32) creates a shift in the reading frame which is predicted to result in a premature stop codon 32 amino acids downstream, which is likely to result in a truncated protein or protein loss due to nonsense-mediated messenger decay (NMD). This variant has not been reported in dbSNP, gnomAD, 1000 Genomes, NHLBI Exome Sequencing Project (ESP) or ClinVar. Upstream of the identified variant, an in-frame deletion, c.3583_3594del (p.Val1195_Phe1198del) (Variation ID: 435046), and a missense variant, c.3589C> T (p.Arg1197Trp) (Variation ID: 65737), have been reported as likely pathogenic. Partially overlapping with our identified variant, an in-frame duplication , c.3626_3631dup (p.Pro1209_Val1210dup) (Variation ID: 42134), is reported as likely pathogenic. Downstream of our identified variant, nonsense variants with pathogenic significance have also been reported: c.3649C> T (p.Gln1217 *) (Variation ID: 489228) and c.3709C> T (p.Gln1237 *) (Variation ID: 802554).